The following is an entry in ClinVar:

ClinVar aggregate classification (germline): Conflicting classifications of pathogenicity. Review status: criteria provided, conflicting classifications (1 of 4 stars). 2 submissions from 2 submitters: Uncertain significance (1); Likely benign (1). Last evaluated 2026-09-01.

gnomAD v4.1: 1,918 of 1,613,552 alleles (0.12%); highest among the groups gnomAD compares: Non-Finnish European, 0.15%; no homozygotes.

Submissions (2):

CeGaT Center for Human Genetics Tuebingen
Classification: Likely benign. Last evaluated: 2026-09-01. Review status: criteria provided, single submitter. Criteria: CeGaT Center For Human Genetics Tuebingen Variant Classification Criteria Version 2. Collection method: clinical testing. Allele origin: germline. Affected: yes. Observed: 3 variant alleles.
Comment: USP25: BS1

Ambry Genetics
Classification: Uncertain significance. Last evaluated: 2025-02-23. Review status: criteria provided, single submitter. Criteria: Ambry Variant Classification Scheme 2023. Collection method: clinical testing. Allele origin: germline.

NM_001283041.3(USP25):c.2635G>C (p.Val879Leu)

Gene: USP25 (ubiquitin specific peptidase 25; plus strand). Cytogenetic location: 21q21.1.
Variant type: single nucleotide variant.
Coding change: c.2635G>C on transcript NM_001283041.3 (MANE Select); coding-DNA position 2635, G replaced by C.
Protein change: p.Val879Leu; replaces valine 879 with leucine.
Molecular consequence: missense variant.
Genome position (GRCh38, 1-based): chr21:15,864,355, G>C. VCF-style: chr21-15864355-G-C. GRCh37 (hg19) VCF-style: chr21-17236674-G-C.
Other names: c.2425G>C, p.Val809Leu (NM_013396.6); c.2521G>C, p.Val841Leu (NM_001283042.3); c.1762G>C, p.Val588Leu (NM_001352560.2, NM_001388299.1); c.1213G>C, p.Val405Leu (NM_001352561.2, NM_001388300.1, NM_001388301.1); c.1204G>C, p.Val402Leu (NM_001388302.1); short protein forms V402L, V405L, V841L, V809L, V879L, V588L.
Identifiers: ClinVar variation 3814140 (VCV003814140.3).